The following is an entry in ClinVar:

NM_021072.4(HCN1):c.1175A>G (p.His392Arg)

Gene: HCN1 (hyperpolarization activated cyclic nucleotide gated potassium channel 1; minus strand). Cytogenetic location: 5p12.
Variant type: single nucleotide variant.
Coding change: c.1175A>G on transcript NM_021072.4 (MANE Select); coding-DNA position 1175, A replaced by G.
Protein change: p.His392Arg; replaces histidine 392 with arginine.
Molecular consequence: missense variant.
Genome position (GRCh38, 1-based): chr5:45,396,547, T>C on the plus strand (A>G on the coding strand, the complement: HCN1 is on the minus strand). VCF-style: chr5-45396547-T-C. GRCh37 (hg19) VCF-style: chr5-45396649-T-C.
Other names: short protein forms H392R.
Identifiers: ClinVar variation 1698172 (VCV001698172.2), dbSNP rs1739691309, ClinGen allele CA359705257.

ClinVar aggregate classification (germline): Uncertain significance (1 of 4 stars; one submission).

Submission:

GeneDx
Classification: Uncertain significance. Last evaluated: 2022-01-20. Review status: criteria provided, single submitter. Criteria: GeneDx Variant Classification Process June 2021. Collection method: clinical testing. Allele origin: germline. Affected: yes.
Comment: Not observed at significant frequency in large population cohorts (gnomAD); In silico analysis supports that this missense variant has a deleterious effect on protein structure/function; Has not been previously published as pathogenic or benign to our knowledge